The following is an entry in ClinVar:

NM_152424.4(AMER1):c.1829C>G (p.Ala610Gly)

Gene: AMER1 (APC membrane recruitment protein 1; minus strand). Cytogenetic location: Xq11.2.
Variant type: single nucleotide variant.
Coding change: c.1829C>G on transcript NM_152424.4 (MANE Select); coding-DNA position 1829, C replaced by G.
Protein change: p.Ala610Gly; replaces alanine 610 with glycine.
Molecular consequence: missense variant.
Genome position (GRCh38, 1-based): chrX:64,191,458, G>C on the plus strand (C>G on the coding strand, the complement: AMER1 is on the minus strand). VCF-style: chrX-64191458-G-C. GRCh37 (hg19) VCF-style: chrX-63411338-G-C.
Other names: short protein forms A610G.
Identifiers: ClinVar variation 2633729 (VCV002633729.2), dbSNP rs1233790837, ClinGen allele CA413306230.

ClinVar aggregate classification (germline): Conflicting classifications of pathogenicity. Review status: criteria provided, conflicting classifications (1 of 4 stars). 2 submissions from 2 submitters: Uncertain significance (1); Likely benign (1). Last evaluated 2025-01-16.

Conditions:
AMER1-related disorder. Also called: AMER1-related condition.
Inborn genetic diseases. Identifiers: MedGen C0950123, MeSH D030342.

Submissions (2):

Ambry Genetics
Classification: Likely benign for Inborn genetic diseases. Last evaluated: 2025-01-16. Review status: criteria provided, single submitter. Criteria: Ambry Variant Classification Scheme 2023. Collection method: clinical testing. Allele origin: germline.

PreventionGenetics, part of Exact Sciences
Classification: Uncertain significance for AMER1-related condition. Last evaluated: 2023-04-25. Review status: criteria provided, single submitter. Criteria: ACMG Guidelines, 2015. Collection method: clinical testing. Allele origin: germline.
Comment: The AMER1 c.1829C>G variant is predicted to result in the amino acid substitution p.Ala610Gly. To our knowledge, this variant has not been reported in the literature or in a large population database, indicating this variant is rare. At this time, the clinical significance of this variant is uncertain due to the absence of conclusive functional and genetic evidence.